The following is an entry in ClinVar:

NM_003737.4(DCHS1):c.6634G>C (p.Ala2212Pro)

Gene: DCHS1 (dachsous cadherin-related 1; minus strand). Cytogenetic location: 11p15.4.
Variant type: single nucleotide variant.
Coding change: c.6634G>C on transcript NM_003737.4 (MANE Select); coding-DNA position 6634, G replaced by C.
Protein change: p.Ala2212Pro; replaces alanine 2212 with proline.
Molecular consequence: missense variant.
Genome position (GRCh38, 1-based): chr11:6,626,017, C>G on the plus strand (G>C on the coding strand, the complement: DCHS1 is on the minus strand). VCF-style: chr11-6626017-C-G. GRCh37 (hg19) VCF-style: chr11-6647248-C-G.
Other names: short protein forms A2212P.
Identifiers: ClinVar variation 4238020 (VCV004238020.2).

ClinVar aggregate classification (germline): Uncertain significance. Review status: criteria provided, multiple submitters, no conflicts (2 of 4 stars). 2 submissions from 2 submitters: Uncertain significance (2). Last evaluated 2025-11-21.

Conditions:
Inborn genetic diseases. Identifiers: MedGen C0950123, MeSH D030342.

gnomAD v4.1: 11 of 1,612,552 alleles (0.00068%); highest among the groups gnomAD compares: African/African-American, 0.0013%; no homozygotes.

Submissions (2):

Labcorp Genetics (formerly Invitae), Labcorp
Classification: Uncertain significance. Last evaluated: 2025-11-21. Review status: criteria provided, single submitter. Criteria: Invitae Variant Classification Sherloc (09022015). Collection method: clinical testing. Allele origin: germline.
Comment: This sequence change replaces alanine, which is neutral and non-polar, with proline, which is neutral and non-polar, at codon 2212 of the DCHS1 protein (p.Ala2212Pro). This variant is present in population databases (rs763381995, gnomAD 0.002%). This variant has not been reported in the literature in individuals affected with DCHS1-related conditions. ClinVar contains an entry for this variant (Variation ID: 4238020). Invitae Evidence Modeling of protein sequence and biophysical properties (such as structural, functional, and spatial information, amino acid conservation, physicochemical variation, residue mobility, and thermodynamic stability) indicates that this missense variant is not expected to disrupt DCHS1 protein function with a negative predictive value of 80%. In summary, the available evidence is currently insufficient to determine the role of this variant in disease. Therefore, it has been classified as a Variant of Uncertain Significance.

Ambry Genetics
Classification: Uncertain significance for Inborn genetic diseases. Last evaluated: 2025-06-29. Review status: criteria provided, single submitter. Criteria: Ambry Variant Classification Scheme 2023. Collection method: clinical testing. Allele origin: germline.